The following is an entry in ClinVar:

NM_001199267.2(DGKZ):c.162-300A>G

Gene: DGKZ (diacylglycerol kinase zeta; plus strand). Cytogenetic location: 11p11.2.
Variant type: single nucleotide variant.
Coding change: c.162-300A>G on transcript NM_001199267.2 (MANE Select); 300 bases into the intron before coding-DNA position 162, A replaced by G.
Molecular consequence: intron variant.
Genome position (GRCh38, 1-based): chr11:46,366,991, A>G. VCF-style: chr11-46366991-A-G. GRCh37 (hg19) VCF-style: chr11-46388541-A-G.
Other names: c.213-300A>G (NM_201532.3); c.177-300A>G (NM_201533.3); c.162-300A>G (NM_001199266.2, NM_003646.4, NM_001199268.2); c.728+7A>G (NM_001105540.2).
Identifiers: ClinVar variation 1968720 (VCV001968720.5), dbSNP rs1035511618, ClinGen allele CA221604003.
Genomic context (GRCh38, chr11:46,366,991, plus strand): 5'-GGTAGCCCTACGGCGCAAGGCGGCCGGACCCCAGGCCTGGAGCGCCCTGCTCGCGTAGGT[A>G]TAGCTGTGGCCAGCAGGGCGAGTGGTGTGACCTCCTGTGGGTCTGGCCTGGGCATGGGCC-3'

ClinVar aggregate classification (germline): Uncertain significance (1 of 4 stars; one submission).

Allele frequency attached by ClinVar (database versions not stated): gnomAD exomes 0.00002.
gnomAD v4.1: 35 of 1,514,716 alleles (0.0023%); highest among the groups gnomAD compares: Non-Finnish European, 0.003%; no homozygotes.

Submission:

Labcorp Genetics (formerly Invitae), Labcorp
Classification: Uncertain significance. Last evaluated: 2022-10-20. Review status: criteria provided, single submitter. Criteria: Invitae Variant Classification Sherloc (09022015). Collection method: clinical testing. Allele origin: germline.
Comment: This sequence change falls in intron 2 of the DGKZ gene. It does not directly change the encoded amino acid sequence of the DGKZ protein. The frequency data for this variant in the population databases is considered unreliable, as metrics indicate poor data quality at this position in the gnomAD database. This variant has not been reported in the literature in individuals affected with DGKZ-related conditions. Algorithms developed to predict the effect of sequence changes on RNA splicing suggest that this variant may disrupt the consensus splice site. In summary, the available evidence is currently insufficient to determine the role of this variant in disease. Therefore, it has been classified as a Variant of Uncertain Significance.